The following is an entry in ClinVar:

ClinVar aggregate classification (germline): Pathogenic (1 of 4 stars; one submission).

Submission:

Labcorp Genetics (formerly Invitae), Labcorp
Classification: Pathogenic. Last evaluated: 2025-11-06. Review status: criteria provided, single submitter. Criteria: Invitae Variant Classification Sherloc (09022015). Collection method: clinical testing. Allele origin: germline.
Comment: This sequence change creates a premature translational stop signal (p.Leu718Ilefs*7) in the TBC1D32 gene. It is expected to result in an absent or disrupted protein product. Loss-of-function variants in TBC1D32 are known to be pathogenic (PMID: 36826837, 37768732, 40319332). This variant is not present in population databases (gnomAD no frequency). This variant has not been reported in the literature in individuals affected with TBC1D32-related conditions. For these reasons, this variant has been classified as Pathogenic.

Literature cited by the submitters: PubMed 36826837; PubMed 37768732; PubMed 40319332.

NM_152730.6(TBC1D32):c.2151dup (p.Leu718fs)

Gene: TBC1D32 (TBC1 domain family member 32; minus strand). Cytogenetic location: 6q22.31.
Variant type: Duplication.
Coding change: c.2151dup on transcript NM_152730.6 (MANE Select); coding-DNA position 2151, one base duplicated (A; older notation c.2151dupA).
Protein change: p.Leu718fs; shifts the reading frame from leucine 718.
Molecular consequence: frameshift variant. On other transcripts: non-coding transcript variant (1).
Genome position (GRCh38, 1-based): chr6:121,242,207, T duplicated on the plus strand (A on the coding strand, the reverse complement: TBC1D32 is on the minus strand); the first of 7 consecutive T bases (chr6:121,242,207-121,242,213); duplicating any one gives the same sequence. VCF-style (leftmost placement, unchanged base first): chr6-121242206-A-AT. GRCh37 (hg19) VCF-style: chr6-121563352-A-AT.
Other names: c.2151dup, p.Leu718fs (NM_001367759.1, NM_001367760.1); short protein forms L718fs.
Identifiers: ClinVar variation 4707686 (VCV004707686.1).
Genomic context (GRCh38, chr6:121,242,206, plus strand): 5'-ATGGCTTTTAAAACCACAAAAATTCCCTTTGCCTTTGGCAGATGGTAATTCATACCTGTA[A>AT]TTTTTTTGCATATCGATTGAATATAAATGTCACACATTCATTGATAGCACCTGTTCTTTG-3'